The following is an entry in ClinVar:

NM_001376.5(DYNC1H1):c.4074+11A>T

Gene: DYNC1H1 (dynein cytoplasmic 1 heavy chain 1; plus strand). Cytogenetic location: 14q32.31.
Variant type: single nucleotide variant.
Coding change: c.4074+11A>T on transcript NM_001376.5 (MANE Select); 11 bases into the intron after coding-DNA position 4074, A replaced by T.
Molecular consequence: intron variant.
Genome position (GRCh38, 1-based): chr14:102,000,410, A>T. VCF-style: chr14-102000410-A-T. GRCh37 (hg19) VCF-style: chr14-102466747-A-T.
Identifiers: ClinVar variation 385074 (VCV000385074.10), dbSNP rs368040742, ClinGen allele CA7352150.

ClinVar aggregate classification (germline): Likely benign. Review status: criteria provided, multiple submitters, no conflicts (2 of 4 stars). 4 submissions from 4 submitters: Likely benign (4). Last evaluated 2024-12-02.

Conditions:
Charcot-Marie-Tooth disease axonal type 2O. Also called: Charcot-Marie-Tooth Neuropathy Type 2O; CHARCOT-MARIE-TOOTH NEUROPATHY, AXONAL, TYPE 2O; CHARCOT-MARIE-TOOTH DISEASE, AXONAL, AUTOSOMAL DOMINANT, TYPE 2O; Charcot-Marie-Tooth disease, axonal, type 20. Identifiers: Orphanet 284232, MedGen C3280220, MONDO:0013644, OMIM 614228.
Charcot-Marie-Tooth disease. Also called: Charcot-Marie-Tooth Neuropathy; Charcot-Marie-Tooth Hereditary Neuropathy. Identifiers: Orphanet 166, MedGen C0007959, MONDO:0015626.

Allele frequency attached by ClinVar (database versions not stated): gnomAD exomes below 0.00001; ExAC 0.00001; gnomAD 0.00001; TOPMed 0.00001; ESP Exome Variant Server 0.00008.
gnomAD v4.1: 4 of 1,613,192 alleles (0.00025%); highest among the groups gnomAD compares: African/African-American, 0.0013%; no homozygotes.

Submissions (4):

Labcorp Genetics (formerly Invitae), Labcorp
Classification: Likely benign for Charcot-Marie-Tooth disease axonal type 2O. Last evaluated: 2024-12-02. Review status: criteria provided, single submitter. Criteria: Invitae Variant Classification Sherloc (09022015). Collection method: clinical testing. Allele origin: germline.

Blueprint Genetics
Classification: Likely benign. Last evaluated: 2024-10-31. Review status: criteria provided, single submitter. Criteria: ACMG Guidelines, 2015. Collection method: clinical testing. Allele origin: germline.

GeneDx
Classification: Likely benign. Last evaluated: 2016-04-05. Review status: criteria provided, single submitter. Criteria: GeneDx Variant Classification (06012015). Collection method: clinical testing. Allele origin: germline. Affected: yes.
Comment: This variant is considered likely benign or benign based on one or more of the following criteria: it is a conservative change, it occurs at a poorly conserved position in the protein, it is predicted to be benign by multiple in silico algorithms, and/or has population frequency not consistent with disease.

Molecular Genetics Laboratory, London Health Sciences Centre
Classification: Likely benign for Charcot-Marie-Tooth disease. Review status: criteria provided, single submitter. Criteria: ACMG Guidelines, 2015. Collection method: clinical testing. Allele origin: germline. Affected: yes.